The following is an entry in ClinVar:

ClinVar aggregate classification (germline): Pathogenic. Review status: reviewed by expert panel (3 of 4 stars). 4 submissions from 4 submitters: Pathogenic (1). 3 of the submissions do not count toward it. Last evaluated 2016-10-18.

Conditions:
Hereditary breast ovarian cancer syndrome. Also called: Hereditary breast and ovarian cancer syndrome (HBOC); Breast and ovarian cancer; Hereditary breast and ovarian cancer syndrome; Hereditary breast and ovarian cancer; BRCA1- and BRCA2-Associated Hereditary Breast and Ovarian Cancer; Hereditary breast and/or ovarian cancer syndrome. Identifiers: Orphanet 145, MedGen C0677776, MeSH D061325, MONDO:0003582. Disease mechanism: loss of function.
Breast-ovarian cancer, familial, susceptibility to, 1 (BROVCA1). Also called: BRCA1 Hereditary Breast and Ovarian Cancer; OVARIAN CANCER, SUSCEPTIBILITY TO. Identifiers: Orphanet 145, MedGen C2676676, MONDO:0011450, OMIM 604370. Disease mechanism: loss of function.

Submissions (4):

Evidence-based Network for the Interpretation of Germline Mutant Alleles (ENIGMA)
Classification: Pathogenic for Breast-ovarian cancer, familial, susceptibility to, 1. Last evaluated: 2016-10-18. Review status: reviewed by expert panel. Criteria: ENIGMA BRCA1/2 Classification Criteria (2015). Collection method: curation. Allele origin: germline.
Comment: Variant allele predicted to encode a truncated non-functional protein.

Baylor Genetics
Classification: Pathogenic for Breast-ovarian cancer, familial, susceptibility to, 1. Last evaluated: 2023-05-04. Review status: criteria provided, single submitter. Criteria: ACMG Guidelines, 2015. Collection method: clinical testing. Allele origin: unknown. Not counted in ClinVar's aggregate classification.

Labcorp Genetics (formerly Invitae), Labcorp
Classification: Pathogenic for Hereditary breast ovarian cancer syndrome. Last evaluated: 2022-09-27. Review status: criteria provided, single submitter. Criteria: Invitae Variant Classification Sherloc (09022015). Collection method: clinical testing. Allele origin: germline. Not counted in ClinVar's aggregate classification.
Comment: For these reasons, this variant has been classified as Pathogenic. ClinVar contains an entry for this variant (Variation ID: 266161). This premature translational stop signal has been observed in individual(s) with breast and/or ovarian cancer (PMID: 27062684). This variant is not present in population databases (gnomAD no frequency). This sequence change creates a premature translational stop signal (p.Lys459*) in the BRCA1 gene. It is expected to result in an absent or disrupted protein product. Loss-of-function variants in BRCA1 are known to be pathogenic (PMID: 20104584).

Consortium of Investigators of Modifiers of BRCA1/2 (CIMBA), c/o University of Cambridge
Classification: Pathogenic for Breast-ovarian cancer, familial, susceptibility to, 1. Last evaluated: 2015-10-02. Review status: criteria provided, single submitter. Criteria: CIMBA Mutation Classification guidelines May 2016. Collection method: clinical testing. Allele origin: germline. Not counted in ClinVar's aggregate classification.

Literature cited by the submitters: PubMed 27062684 (cited by Labcorp Genetics (formerly Invitae), Labcorp); PubMed 20104584 (cited by Labcorp Genetics (formerly Invitae), Labcorp).

NM_007294.4(BRCA1):c.1375A>T (p.Lys459Ter)

Gene: BRCA1 (BRCA1 DNA repair associated; minus strand). Cytogenetic location: 17q21.31.
Variant type: single nucleotide variant.
Coding change: c.1375A>T on transcript NM_007294.4 (MANE Select); coding-DNA position 1375, A replaced by T.
Protein change: p.Lys459Ter; replaces lysine 459 with a stop codon.
Molecular consequence: nonsense. On other transcripts: intron variant (137).
Genome position (GRCh38, 1-based): chr17:43,094,156, T>A on the plus strand (A>T on the coding strand, the complement: BRCA1 is on the minus strand). VCF-style: chr17-43094156-T-A. GRCh37 (hg19) VCF-style: chr17-41246173-T-A.
Other names: 1494A>T; c.1297A>T, p.Lys433Ter (NM_001407663.1, NM_001407656.1, NM_001407657.1 and 4 more transcripts); c.1252A>T, p.Lys418Ter (NM_001407664.1, NM_001407675.1, NM_001407676.1 and 19 more transcripts); c.1234A>T, p.Lys412Ter (NM_001407695.1, NM_001407696.1, NM_001407697.1 and 29 more transcripts); c.1231A>T, p.Lys411Ter (NM_001407740.1, NM_001407741.1, NM_001407742.1 and 20 more transcripts); c.1165A>T, p.Lys389Ter (NM_001407879.1, NM_001407881.1, NM_001407882.1 and 13 more transcripts); c.1162A>T, p.Lys388Ter (NM_001407894.1, NM_001407915.1, NM_001407916.1 and 9 more transcripts); c.1111A>T, p.Lys371Ter (NM_001407920.1, NM_001407933.1, NM_001407935.1 and 9 more transcripts); and 41 more; short protein forms K459*, K412*, K332*, K388*, K411*, K458*, K331*, K348*.
Identifiers: ClinVar variation 266161 (VCV000266161.11), dbSNP rs886039947, ClinGen allele CA10589943.